The following is an entry in ClinVar:

NM_153704.6(TMEM67):c.223+1G>C

Gene: TMEM67 (transmembrane protein 67; plus strand). Cytogenetic location: 8q22.1.
Variant type: single nucleotide variant.
Coding change: c.223+1G>C on transcript NM_153704.6 (MANE Select); the canonical splice donor site of the intron after coding-DNA position 223, G replaced by C.
Molecular consequence: splice donor variant.
Genome position (GRCh38, 1-based): chr8:93,755,138, G>C. VCF-style: chr8-93755138-G-C. GRCh37 (hg19) VCF-style: chr8-94767366-G-C.
Other names: c.-62+1G>C (NM_001142301.1).
Identifiers: ClinVar variation 1878361 (VCV001878361.4), dbSNP rs2536753612, ClinGen allele CA371685511.

ClinVar aggregate classification (germline): Likely pathogenic. Review status: criteria provided, multiple submitters, no conflicts (2 of 4 stars). 2 submissions from 2 submitters: Likely pathogenic (2). Last evaluated 2023-11-11.

Conditions:
Meckel-Gruber syndrome. Also called: DYSENCEPHALIA SPLANCHNOCYSTICA; GRUBER SYNDROME; Dysencephalia splachnocystica. Identifiers: Orphanet 564, MedGen C0265215, MONDO:0018921.
Joubert syndrome. Also called: CEREBELLOPARENCHYMAL DISORDER IV; JOUBERT-BOLTSHAUSER SYNDROME; Familial aplasia of the vermis. Identifiers: Orphanet 475, MedGen C5979921, MONDO:0018772.
Joubert syndrome and related disorders. Identifiers: Orphanet 140874, MedGen C5679612, MONDO:0015369.

Submissions (2):

Labcorp Genetics (formerly Invitae), Labcorp
Classification: Likely pathogenic for Joubert syndrome; Meckel-Gruber syndrome. Last evaluated: 2023-11-11. Review status: criteria provided, single submitter. Criteria: Invitae Variant Classification Sherloc (09022015). Collection method: clinical testing. Allele origin: germline.
Comment: This sequence change affects a donor splice site in intron 1 of the TMEM67 gene. It is expected to disrupt RNA splicing. Variants that disrupt the donor or acceptor splice site typically lead to a loss of protein function (PMID: 16199547), and loss-of-function variants in TMEM67 are known to be pathogenic (PMID: 20232449, 23559409). This variant is not present in population databases (gnomAD no frequency). Disruption of this splice site has been observed in individual(s) with clinical features of TMEM67-related conditions (PMID: 36703223). ClinVar contains an entry for this variant (Variation ID: 1878361). Algorithms developed to predict the effect of sequence changes on RNA splicing suggest that this variant may disrupt the consensus splice site. In summary, the currently available evidence indicates that the variant is pathogenic, but additional data are needed to prove that conclusively. Therefore, this variant has been classified as Likely Pathogenic.

Women's Health and Genetics/Laboratory Corporation of America, LabCorp
Classification: Likely pathogenic for Joubert syndrome and related disorders. Last evaluated: 2022-12-21. Review status: criteria provided, single submitter. Criteria: LabCorp Variant Classification Summary - May 2015. Collection method: clinical testing. Allele origin: germline.
Comment: Variant summary: TMEM67 c.223+1G>C is located in a canonical splice-site and is predicted to affect mRNA splicing resulting in a significantly altered protein due to either exon skipping, shortening, or inclusion of intronic material. Several computational tools predict a significant impact on normal splicing: Four predict the variant abolishes a 5' splicing donor site. However, these predictions have yet to be confirmed by functional studies. The variant was absent in 251436 control chromosomes. To our knowledge, no occurrence of c.223+1G>C in individuals affected with Joubert Syndrome And Related Disorders and no experimental evidence demonstrating its impact on protein function have been reported. No clinical diagnostic laboratories have submitted clinical-significance assessments for this variant to ClinVar after 2014. Based on the evidence outlined above, the variant was classified as likely pathogenic.

Literature cited by the submitters: PubMed 16199547 (cited by Labcorp Genetics (formerly Invitae), Labcorp); PubMed 20232449 (cited by Labcorp Genetics (formerly Invitae), Labcorp); PubMed 23559409 (cited by Labcorp Genetics (formerly Invitae), Labcorp); PubMed 36703223 (cited by Labcorp Genetics (formerly Invitae), Labcorp).